The following is an entry in ClinVar:

ClinVar aggregate classification (germline): Uncertain significance. Review status: criteria provided, multiple submitters, no conflicts (2 of 4 stars). 2 submissions from 2 submitters: Uncertain significance (2). Last evaluated 2024-02-22.

Conditions:
Bronchiectasis with or without elevated sweat chloride 1 (BESC1). Also called: Cystic Fibrosis-Like Syndrome. Identifiers: Orphanet 60033, MedGen C2749757, MONDO:0008887, OMIM 211400.
Pseudohypoaldosteronism, type IB2, autosomal recessive (PHA1B2). Identifiers: MedGen C5774255, MONDO:0859317, OMIM 620125.
Liddle syndrome 1 (LIDLS1). Also called: PSEUDOALDOSTERONISM. Identifiers: Orphanet 526, MedGen CN031472, MONDO:0020607, OMIM 177200.

Submissions (2):

Fulgent Genetics
Classification: Uncertain significance for Liddle syndrome 1; Bronchiectasis with or without elevated sweat chloride 1; Pseudohypoaldosteronism, type IB2, autosomal recessive. Last evaluated: 2024-02-22. Review status: criteria provided, single submitter. Criteria: ACMG Guidelines, 2015. Collection method: clinical testing. Allele origin: germline.

GeneDx
Classification: Uncertain significance. Last evaluated: 2020-01-06. Review status: criteria provided, single submitter. Criteria: GeneDx Variant Classification Process June 2021. Collection method: clinical testing. Allele origin: germline. Affected: yes.
Comment: Not observed in large population cohorts (Lek et al., 2016); In silico analysis, which includes protein predictors and evolutionary conservation, supports a deleterious effect; Has not been previously published as pathogenic or benign to our knowledge

NM_000336.3(SCNN1B):c.1115A>T (p.Asn372Ile)

Gene: SCNN1B (sodium channel epithelial 1 subunit beta; plus strand). Cytogenetic location: 16p12.2.
Variant type: single nucleotide variant.
Coding change: c.1115A>T on transcript NM_000336.3 (MANE Select); coding-DNA position 1115, A replaced by T.
Protein change: p.Asn372Ile; replaces asparagine 372 with isoleucine.
Molecular consequence: missense variant.
Genome position (GRCh38, 1-based): chr16:23,371,846, A>T. VCF-style: chr16-23371846-A-T. GRCh37 (hg19) VCF-style: chr16-23383167-A-T.
Other names: short protein forms N372I.
Identifiers: ClinVar variation 450832 (VCV000450832.4), dbSNP rs1555489480, ClinGen allele CA395109947.